The following is an entry in ClinVar:

NM_018127.7(ELAC2):c.1375A>G (p.Ser459Gly)

Gene: ELAC2 (elaC ribonuclease Z 2; minus strand). Cytogenetic location: 17p12.
Variant type: single nucleotide variant.
Coding change: c.1375A>G on transcript NM_018127.7 (MANE Select); coding-DNA position 1375, A replaced by G.
Protein change: p.Ser459Gly; replaces serine 459 with glycine.
Molecular consequence: missense variant.
Genome position (GRCh38, 1-based): chr17:13,000,204, T>C on the plus strand (A>G on the coding strand, the complement: ELAC2 is on the minus strand). VCF-style: chr17-13000204-T-C. GRCh37 (hg19) VCF-style: chr17-12903521-T-C.
Other names: c.1255A>G, p.Ser419Gly (NM_001165962.2); c.1372A>G, p.Ser458Gly (NM_173717.2); c.1375A>G (NM_018127.6); short protein forms S419G, S458G, S459G.
Identifiers: ClinVar variation 1399769 (VCV001399769.5), dbSNP rs760132087, ClinGen allele CA8401232.

ClinVar aggregate classification (germline): Uncertain significance. Review status: criteria provided, multiple submitters, no conflicts (2 of 4 stars). 2 submissions from 2 submitters: Uncertain significance (2). Last evaluated 2025-03-26.

Conditions:
Combined oxidative phosphorylation defect type 17. Also called: Combined oxidative phosphorylation deficiency 17. Identifiers: Orphanet 369913, MedGen C3809526, MONDO:0014190, OMIM 615440.

Allele frequency attached by ClinVar (database versions not stated): ExAC 0.00001; gnomAD exomes 0.00001; TOPMed 0.00001.
gnomAD v4.1: 18 of 1,614,088 alleles (0.0011%); highest among the groups gnomAD compares: Non-Finnish European, 0.0014%; no homozygotes.

Submissions (2):

GeneDx
Classification: Uncertain significance. Last evaluated: 2025-03-26. Review status: criteria provided, single submitter. Criteria: GeneDx Variant Classification Process June 2021. Collection method: clinical testing. Allele origin: germline. Affected: yes.
Comment: Not observed at significant frequency in large population cohorts (gnomAD); In silico analysis indicates that this missense variant does not alter protein structure/function; Has not been previously published as pathogenic or benign to our knowledge

Labcorp Genetics (formerly Invitae), Labcorp
Classification: Uncertain significance for Combined oxidative phosphorylation defect type 17. Last evaluated: 2022-08-04. Review status: criteria provided, single submitter. Criteria: Invitae Variant Classification Sherloc (09022015). Collection method: clinical testing. Allele origin: germline.
Comment: This sequence change replaces serine, which is neutral and polar, with glycine, which is neutral and non-polar, at codon 459 of the ELAC2 protein (p.Ser459Gly). This variant is present in population databases (rs760132087, gnomAD 0.002%). This variant has not been reported in the literature in individuals affected with ELAC2-related conditions. ClinVar contains an entry for this variant (Variation ID: 1399769). Algorithms developed to predict the effect of missense changes on protein structure and function (SIFT, PolyPhen-2, Align-GVGD) all suggest that this variant is likely to be tolerated. In summary, the available evidence is currently insufficient to determine the role of this variant in disease. Therefore, it has been classified as a Variant of Uncertain Significance.